The following is an entry in ClinVar:

NM_001283009.2(RTEL1):c.2211C>G (p.Asn737Lys)

Genes: RTEL1 (regulator of telomere elongation helicase 1; plus strand), RTEL1-TNFRSF6B (RTEL1-TNFRSF6B readthrough (NMD candidate); plus strand). Cytogenetic location: 20q13.33.
Variant type: single nucleotide variant.
Coding change: c.2211C>G on transcript NM_001283009.2 (MANE Select); coding-DNA position 2211, C replaced by G.
Protein change: p.Asn737Lys; replaces asparagine 737 with lysine.
Molecular consequence: missense variant. On other transcripts: non-coding transcript variant (1).
Genome position (GRCh38, 1-based): chr20:63,690,156, C>G. VCF-style: chr20-63690156-C-G. GRCh37 (hg19) VCF-style: chr20-62321509-C-G.
Other names: c.1542C>G, p.Asn514Lys (NM_001283010.1); c.2211C>G, p.Asn737Lys (NM_016434.4); c.2283C>G, p.Asn761Lys (NM_032957.5); short protein forms N514K, N761K, N737K.
Identifiers: ClinVar variation 2932328 (VCV002932328.4), dbSNP rs759047464, ClinGen allele CA409679855.

ClinVar aggregate classification (germline): Uncertain significance. Review status: criteria provided, multiple submitters, no conflicts (2 of 4 stars). 2 submissions from 2 submitters: Uncertain significance (2). Last evaluated 2025-09-07.

Conditions:
Inborn genetic diseases. Identifiers: MedGen C0950123, MeSH D030342.
Pulmonary fibrosis and/or bone marrow failure, Telomere-related, 3. Also called: PULMONARY FIBROSIS AND/OR BONE MARROW FAILURE SYNDROME, TELOMERE-RELATED, 3. Identifiers: Orphanet 2032, MedGen C4225346, MONDO:0014613, OMIM 616373.
Dyskeratosis congenita, autosomal recessive 5 (DKCB5). Identifiers: MedGen C3554656, MONDO:0014076, OMIM 615190.

gnomAD v4.1: 3 of 1,612,596 alleles (0.00019%); highest among the groups gnomAD compares: Non-Finnish European, 0.00025%; no homozygotes.

Submissions (2):

Ambry Genetics
Classification: Uncertain significance for Inborn genetic diseases. Last evaluated: 2025-09-07. Review status: criteria provided, single submitter. Criteria: Ambry Variant Classification Scheme 2023. Collection method: clinical testing. Allele origin: germline.
Comment: The p.N737K variant (also known as c.2211C>G), located in coding exon 24 of the RTEL1 gene, results from a C to G substitution at nucleotide position 2211. The asparagine at codon 737 is replaced by lysine, an amino acid with similar properties. This amino acid position is conserved. In addition, this alteration is predicted to be tolerated by in silico analysis. Based on the available evidence, the clinical significance of this variant remains unclear.

Labcorp Genetics (formerly Invitae), Labcorp
Classification: Uncertain significance for Dyskeratosis congenita, autosomal recessive 5; Pulmonary fibrosis and/or bone marrow failure, Telomere-related, 3. Last evaluated: 2024-11-02. Review status: criteria provided, single submitter. Criteria: Invitae Variant Classification Sherloc (09022015). Collection method: clinical testing. Allele origin: germline.
Comment: This sequence change replaces asparagine, which is neutral and polar, with lysine, which is basic and polar, at codon 737 of the RTEL1 protein (p.Asn737Lys). This variant is not present in population databases (gnomAD no frequency). This variant has not been reported in the literature in individuals affected with RTEL1-related conditions. ClinVar contains an entry for this variant (Variation ID: 2932328). An algorithm developed to predict the effect of missense changes on protein structure and function (PolyPhen-2) suggests that this variant is likely to be tolerated. In summary, the available evidence is currently insufficient to determine the role of this variant in disease. Therefore, it has been classified as a Variant of Uncertain Significance.